The following is an entry in ClinVar:

NM_144596.4(TTC8):c.950A>C (p.Glu317Ala)

Gene: TTC8 (tetratricopeptide repeat domain 8; plus strand). Cytogenetic location: 14q31.3.
Variant type: single nucleotide variant.
Coding change: c.950A>C on transcript NM_144596.4 (MANE Select); coding-DNA position 950, A replaced by C.
Protein change: p.Glu317Ala; replaces glutamic acid 317 with alanine.
Molecular consequence: missense variant. On other transcripts: non-coding transcript variant (1).
Genome position (GRCh38, 1-based): chr14:88,870,099, A>C. VCF-style: chr14-88870099-A-C. GRCh37 (hg19) VCF-style: chr14-89336443-A-C.
Other names: c.998A>C, p.Glu333Ala (NM_001288781.1); c.356A>C, p.Glu119Ala (NM_001288782.1); c.233A>C, p.Glu78Ala (NM_001288783.1); c.920A>C, p.Glu307Ala (NM_001366535.2, NM_198309.3); c.830A>C, p.Glu277Ala (NM_001366536.2, NM_198310.3); short protein forms E317A, E333A, E277A, E78A, E307A, E119A.
Identifiers: ClinVar variation 884951 (VCV000884951.7), dbSNP rs1220094479, ClinGen allele CA390549428.

ClinVar aggregate classification (germline): Uncertain significance. Review status: criteria provided, multiple submitters, no conflicts (2 of 4 stars). 3 submissions from 2 submitters: Uncertain significance (3). Last evaluated 2023-10-03.

Conditions:
Retinitis pigmentosa (RP). Identifiers: Orphanet 791, MedGen C0035334, MeSH D012174, MONDO:0019200, OMIM 268000. Inheritance: Autosomal dominant, autosomal recessive and X linked inheritance.
Bardet-Biedl syndrome 8 (BBS8). Identifiers: Orphanet 110, MedGen C1859566, MONDO:0014436, OMIM 615985.
Bardet-Biedl syndrome (BBS). Identifiers: Orphanet 110, MedGen C0752166, MONDO:0015229.

Allele frequency attached by ClinVar (database versions not stated): gnomAD exomes below 0.00001; TOPMed below 0.00001; gnomAD 0.00001.
gnomAD v4.1: 3 of 1,613,960 alleles (0.00019%); highest among the groups gnomAD compares: Admixed American, 0.0017%; no homozygotes.

Submissions (3):

Labcorp Genetics (formerly Invitae), Labcorp
Classification: Uncertain significance for Bardet-Biedl syndrome. Last evaluated: 2023-10-03. Review status: criteria provided, single submitter. Criteria: Invitae Variant Classification Sherloc (09022015). Collection method: clinical testing. Allele origin: germline.
Comment: This sequence change replaces glutamic acid, which is acidic and polar, with alanine, which is neutral and non-polar, at codon 307 of the TTC8 protein (p.Glu307Ala). This variant is present in population databases (no rsID available, gnomAD 0.0009%). This variant has not been reported in the literature in individuals affected with TTC8-related conditions. ClinVar contains an entry for this variant (Variation ID: 884951). Advanced modeling of protein sequence and biophysical properties (such as structural, functional, and spatial information, amino acid conservation, physicochemical variation, residue mobility, and thermodynamic stability) performed at Invitae indicates that this missense variant is not expected to disrupt TTC8 protein function. Algorithms developed to predict the effect of sequence changes on RNA splicing suggest that this variant may disrupt the consensus splice site. In summary, the available evidence is currently insufficient to determine the role of this variant in disease. Therefore, it has been classified as a Variant of Uncertain Significance.

Illumina Laboratory Services, Illumina
Classification: Uncertain significance for Bardet-Biedl syndrome 8. Last evaluated: 2018-01-13. Review status: criteria provided, single submitter. Criteria: ICSL Variant Classification Criteria 13 December 2019. Collection method: clinical testing. Allele origin: germline.

Illumina Laboratory Services, Illumina
Classification: Uncertain significance for Retinitis pigmentosa. Last evaluated: 2018-01-13. Review status: criteria provided, single submitter. Criteria: ICSL Variant Classification Criteria 13 December 2019. Collection method: clinical testing. Allele origin: germline.